The following is an entry in ClinVar:

ClinVar aggregate classification (germline): Likely pathogenic (1 of 4 stars; one submission).

Conditions:
Breast-ovarian cancer, familial, susceptibility to, 1 (BROVCA1). Also called: BRCA1 Hereditary Breast and Ovarian Cancer; OVARIAN CANCER, SUSCEPTIBILITY TO. Identifiers: Orphanet 145, MedGen C2676676, MONDO:0011450, OMIM 604370. Disease mechanism: loss of function.

Submission:

Myriad Genetics, Inc.
Classification: Likely pathogenic for Breast-ovarian cancer, familial, susceptibility to, 1. Last evaluated: 2023-02-03. Review status: criteria provided, single submitter. Criteria: Myriad Autosomal Dominant, Autosomal Recessive and X-Linked Classification Criteria (2023). Collection method: clinical testing. Allele origin: unknown.
Comment: This variant is considered likely pathogenic. This variant creates a frameshift predicted to result in premature protein truncation.

NM_007294.4(BRCA1):c.5557del (p.Tyr1853fs)

Gene: BRCA1 (BRCA1 DNA repair associated; minus strand). Cytogenetic location: 17q21.31.
Variant type: Deletion.
Coding change: c.5557del on transcript NM_007294.4 (MANE Select); coding-DNA position 5557, one base deleted (T; older notation c.5557delT).
Protein change: p.Tyr1853fs; shifts the reading frame from tyrosine 1853.
Molecular consequence: frameshift variant. On other transcripts: 3 prime UTR variant (1), non-coding transcript variant (1).
Genome position (GRCh38, 1-based): chr17:43,045,713, A deleted on the plus strand (T on the coding strand, the reverse complement: BRCA1 is on the minus strand). VCF-style (leftmost placement, unchanged base first): chr17-43045712-TA-T. GRCh37 (hg19) VCF-style: chr17-41197729-TA-T.
Other names: c.5344delT, p.Tyr1782Thrfs (NM_001407571.1, NM_001407894.1, NM_001407895.1 and 12 more transcripts); c.5623delT, p.Tyr1875Thrfs (NM_001407581.1, NM_001407582.1); c.5620delT, p.Tyr1874Thrfs (NM_001407583.1, NM_001407585.1, NM_001407587.1); c.5617delT, p.Tyr1873Thrfs (NM_001407590.1, NM_001407591.1); c.5557delT, p.Tyr1853Thrfs (NM_001407593.1, NM_001407594.1, NM_001407596.1 and 5 more transcripts); c.5554delT, p.Tyr1852Thrfs (NM_001407610.1, NM_001407611.1, NM_001407612.1 and 14 more transcripts); c.5551delT, p.Tyr1851Thrfs (NM_001407627.1, NM_001407628.1, NM_001407629.1 and 13 more transcripts); c.5548delT, p.Tyr1850Thrfs (NM_001407644.1, NM_001407645.1); and 77 more; short protein forms Y1806fs, Y1853fs, Y1874fs, Y749fs.
Identifiers: ClinVar variation 2431328 (VCV002431328.1), dbSNP rs2545880403, ClinGen allele CA2580093792.